The following is an entry in ClinVar:

NM_003640.5(ELP1):c.1308del (p.Ser436fs)

Gene: ELP1 (elongator acetyltransferase complex subunit 1; minus strand). Cytogenetic location: 9q31.3.
Variant type: Deletion.
Coding change: c.1308del on transcript NM_003640.5 (MANE Select); coding-DNA position 1308, one base deleted (T; older notation c.1308delT).
Protein change: p.Ser436fs; shifts the reading frame from serine 436.
Molecular consequence: frameshift variant.
Genome position (GRCh38, 1-based): chr9:108,911,062, A deleted on the plus strand (T on the coding strand, the reverse complement: ELP1 is on the minus strand). VCF-style (leftmost placement, unchanged base first): chr9-108911061-TA-T. GRCh37 (hg19) VCF-style: chr9-111673341-TA-T.
Other names: c.966del, p.Ser322fs (NM_001318360.2); c.261del, p.Ser87fs (NM_001330749.2); short protein forms S322fs, S436fs, S87fs.
Identifiers: ClinVar variation 5012553 (VCV005012553.1).

ClinVar aggregate classification (germline): Pathogenic (1 of 4 stars; one submission).

Conditions:
Familial dysautonomia. Also called: HSAN III; FD. Identifiers: Orphanet 1764, MedGen C0013364, MONDO:0009131, OMIM 223900. Disease mechanism: loss of function.

Submission:

Myriad Genetics, Inc.
Classification: Pathogenic for Familial dysautonomia. Last evaluated: 2023-12-09. Review status: criteria provided, single submitter. Criteria: Myriad Autosomal Dominant, Autosomal Recessive and X-Linked Classification Criteria (2023). Collection method: clinical testing. Allele origin: unknown.
Comment: NM_003640.3(ELP1):c.1308delT(S436Rfs*7) is expected to be pathogenic in the context of familial dysautonomia. This variant is predicted to lead to an abnormal or absent protein product due to the creation of a premature termination codon in ELP1, a gene where loss-of-function variants are known to be pathogenic. Please note: this variant was assessed in the context of healthy population screening.